The following is an entry in ClinVar:

ClinVar aggregate classification (germline): Uncertain significance (1 of 4 stars; one submission).

Conditions:
Thrombomodulin-related bleeding disorder (THPH12). Also called: Thrombophilia due to thrombomodulin defect. Identifiers: Orphanet 436169, MedGen C3280976, MONDO:0013775, OMIM 614486.

gnomAD v4.1: 7 of 1,572,696 alleles (0.00045%); highest among the groups gnomAD compares: African/African-American, 0.0054%; no homozygotes.

Submission:

Genomenon, Inc
Classification: Uncertain significance for Thrombomodulin-related bleeding disorder. Last evaluated: 2025-09-22. Review status: criteria provided, single submitter. Criteria: Genomenon Sequence Variant Interpretation Standards - Updated. Collection method: curation. Allele origin: germline. Affected: no.
Comment: THBD p.Asp163Asn (c.487G>A) is a missense variant that changes the amino acid at residue 163 from Aspartic acid to Asparagine. This variant has been reported in the published literature (PMID:28596415). It is absent or not present at a significant frequency in gnomAD. In silico models agree that this variant is not damaging. In conclusion, we classify THBD p.Asp163Asn (c.487G>A) as a variant of unknown significance.

Literature cited by the submitters: PubMed 28596415.

NM_000361.3(THBD):c.487G>A (p.Asp163Asn)

Gene: THBD (thrombomodulin; minus strand). Cytogenetic location: 20p11.21.
Variant type: single nucleotide variant.
Coding change: c.487G>A on transcript NM_000361.3 (MANE Select); coding-DNA position 487, G replaced by A.
Protein change: p.Asp163Asn; replaces aspartic acid 163 with asparagine.
Molecular consequence: missense variant.
Genome position (GRCh38, 1-based): chr20:23,049,018, C>T on the plus strand (G>A on the coding strand, the complement: THBD is on the minus strand). VCF-style: chr20-23049018-C-T. GRCh37 (hg19) VCF-style: chr20-23029655-C-T.
Other names: short protein forms D163N.
Identifiers: ClinVar variation 4280413 (VCV004280413.1).
Genomic context (GRCh38, chr20:23,049,018, plus strand): 5'-CGGGCTCCACAGCCAGTGGCCTGCAGGTGGCTGGGAAGTGGAACTCGCAGAGGAAGCCAT[C>T]GGCCTTCACTTCGCACTGCTGCTCCTCCCAGATCGGCTCGCTGGGCACAGTGGCCTCAGC-3'
Protein context (NP_000352.1, residues 153-173): WEEQQCEVKA[Asp163Asn]GFLCEFHFPA